The following is an entry in ClinVar:

ClinVar aggregate classification (germline): Uncertain significance (1 of 4 stars; one submission).

Allele frequency attached by ClinVar (database versions not stated): gnomAD exomes below 0.00001.

Submission:

GeneDx
Classification: Uncertain significance. Last evaluated: 2019-11-25. Review status: criteria provided, single submitter. Criteria: GeneDx Variant Classification Process June 2021. Collection method: clinical testing. Allele origin: germline. Affected: yes.
Comment: Has not been previously published as pathogenic or benign to our knowledge; Not observed in large population cohorts (Lek et al., 2016); On the mRNA level, in-silico analysis, which includes splice predictors and evolutionary conservation, is inconclusive as to whether the variant alters gene splicing. In the absence of RNA/functional studies, the actual effect of this sequence change is unknown.; On the protein level, in silico analysis, which includes protein predictors and evolutionary conservation, supports that this variant does not alter protein structure/function

NM_020778.5(ALPK3):c.422G>A (p.Arg141Lys)

Gene: ALPK3 (alpha kinase 3; plus strand). Cytogenetic location: 15q25.3.
Variant type: single nucleotide variant.
Coding change: c.422G>A on transcript NM_020778.5 (MANE Select); coding-DNA position 422, G replaced by A.
Protein change: p.Arg141Lys; replaces arginine 141 with lysine.
Molecular consequence: missense variant.
Genome position (GRCh38, 1-based): chr15:84,839,097, G>A. VCF-style: chr15-84839097-G-A. GRCh37 (hg19) VCF-style: chr15-85382328-G-A.
Other names: short protein forms R141K.
Identifiers: ClinVar variation 1310540 (VCV001310540.2), dbSNP rs772815322, ClinGen allele CA393372030.